The following is an entry in ClinVar:

NM_002067.5(GNA11):c.858G>C (p.Ser286=)

Gene: GNA11 (G protein subunit alpha 11; plus strand). Cytogenetic location: 19p13.3.
Variant type: single nucleotide variant.
Coding change: c.858G>C on transcript NM_002067.5 (MANE Select); coding-DNA position 858, G replaced by C.
Protein change: p.Ser286=; no amino-acid change (serine 286 retained).
Molecular consequence: synonymous variant.
Genome position (GRCh38, 1-based): chr19:3,119,328, G>C. VCF-style: chr19-3119328-G-C. GRCh37 (hg19) VCF-style: chr19-3119326-G-C.
Other names: c.858G>C (NM_002067.4).
Identifiers: ClinVar variation 1166847 (VCV001166847.11), dbSNP rs118125169, ClinGen allele CA9075025.
Genomic context (GRCh38, chr19:3,119,328, plus strand): 5'-CTCCTCCGTCATCCTCTTCCTCAACAAGAAGGACCTGCTGGAGGACAAGATCCTGTACTC[G>C]CACCTGGTGGACTACTTCCCCGAGTTCGATGGTGCGCCGGGCTGCGGCATGGGGAGGGGC-3'
Protein context (NP_002058.2, residues 276-296): KDLLEDKILY[Ser286=]HLVDYFPEFD

ClinVar aggregate classification (germline): Benign. Review status: criteria provided, single submitter (1 of 4 stars). 2 submissions from 2 submitters: Benign (1). 1 of the submissions does not count toward it. Last evaluated 2025-12-08.

Conditions:
GNA11-related disorder. Also called: GNA11-related condition.

Allele frequency attached by ClinVar (database versions not stated): ESP Exome Variant Server 0.00008; gnomAD 0.00023 and 0.00029; ExAC 0.00024; 1000 Genomes Project 0.00040; 1000 Genomes Project 30x 0.00062; gnomAD exomes 0.00026.
gnomAD v4.1: 283 of 1,613,796 alleles (0.018%); highest among the groups gnomAD compares: Middle Eastern, 0.12%; 1 homozygote.

Submissions (2):

Labcorp Genetics (formerly Invitae), Labcorp
Classification: Benign. Last evaluated: 2025-12-08. Review status: criteria provided, single submitter. Criteria: Invitae Variant Classification Sherloc (09022015). Collection method: clinical testing. Allele origin: germline.

PreventionGenetics, part of Exact Sciences
Classification: Likely benign for GNA11-related condition. Last evaluated: 2023-05-22. Review status: no assertion criteria provided. Collection method: clinical testing. Allele origin: germline. Not counted in ClinVar's aggregate classification.
Comment: This variant is classified as likely benign based on ACMG/AMP sequence variant interpretation guidelines (Richards et al. 2015 PMID: 25741868, with internal and published modifications).